The following is an entry in ClinVar:

NM_000142.5(FGFR3):c.1559C>T (p.Ser520Leu)

Gene: FGFR3 (fibroblast growth factor receptor 3; plus strand). Cytogenetic location: 4p16.3.
Variant type: single nucleotide variant.
Coding change: c.1559C>T on transcript NM_000142.5 (MANE Select); coding-DNA position 1559, C replaced by T.
Protein change: p.Ser520Leu; replaces serine 520 with leucine.
Molecular consequence: missense variant. On other transcripts: non-coding transcript variant (1).
Genome position (GRCh38, 1-based): chr4:1,805,583, C>T. VCF-style: chr4-1805583-C-T. GRCh37 (hg19) VCF-style: chr4-1807310-C-T.
Other names: c.1565C>T, p.Ser522Leu (NM_001163213.2); c.1562C>T, p.Ser521Leu (NM_001354809.2, NM_001354810.2); c.1223C>T, p.Ser408Leu (NM_022965.4); short protein forms S520L, S522L, S521L, S408L.
Identifiers: ClinVar variation 134405 (VCV000134405.4), dbSNP rs587778356, ClinGen allele CA159713.

ClinVar aggregate classification (germline): Uncertain significance. Review status: criteria provided, single submitter (1 of 4 stars). 2 submissions from 2 submitters: Uncertain significance (1). 1 of the submissions does not count toward it. Last evaluated 2023-07-12.

Allele frequency attached by ClinVar (database versions not stated): TOPMed below 0.00001; ExAC 0.00001; gnomAD 0.00001; gnomAD exomes 0.00001.
gnomAD v4.1: 34 of 1,613,112 alleles (0.0021%); highest among the groups gnomAD compares: Middle Eastern, 0.016%; no homozygotes.

Submissions (2):

Labcorp Genetics (formerly Invitae), Labcorp
Classification: Uncertain significance. Last evaluated: 2023-07-12. Review status: criteria provided, single submitter. Criteria: Invitae Variant Classification Sherloc (09022015). Collection method: clinical testing. Allele origin: germline.
Comment: In summary, the available evidence is currently insufficient to determine the role of this variant in disease. Therefore, it has been classified as a Variant of Uncertain Significance. Advanced modeling of protein sequence and biophysical properties (such as structural, functional, and spatial information, amino acid conservation, physicochemical variation, residue mobility, and thermodynamic stability) has been performed at Invitae for this missense variant, however the output from this modeling did not meet the statistical confidence thresholds required to predict the impact of this variant on FGFR3 protein function. ClinVar contains an entry for this variant (Variation ID: 134405). This variant has not been reported in the literature in individuals affected with FGFR3-related conditions. This variant is present in population databases (rs587778356, gnomAD 0.004%). This sequence change replaces serine, which is neutral and polar, with leucine, which is neutral and non-polar, at codon 520 of the FGFR3 protein (p.Ser520Leu).

ITMI
No classification provided. Condition: AllHighlyPenetrant. Last evaluated: 2013-09-19. Review status: no classification provided. Collection method: reference population. Allele origin: germline. Not counted in ClinVar's aggregate classification.
Comment: Please see associated publication for description of ethnicities

Literature cited by the submitters: PubMed 24728327 (cited by ITMI).